The following is an entry in ClinVar:

NM_152703.5(SAMD9L):c.730A>C (p.Lys244Gln)

Gene: SAMD9L (sterile alpha motif domain containing 9 like; minus strand). Cytogenetic location: 7q21.2.
Variant type: single nucleotide variant.
Coding change: c.730A>C on transcript NM_152703.5 (MANE Select); coding-DNA position 730, A replaced by C.
Protein change: p.Lys244Gln; replaces lysine 244 with glutamine.
Molecular consequence: missense variant.
Genome position (GRCh38, 1-based): chr7:93,135,242, T>G on the plus strand (A>C on the coding strand, the complement: SAMD9L is on the minus strand). VCF-style: chr7-93135242-T-G. GRCh37 (hg19) VCF-style: chr7-92764555-T-G.
Other names: c.730A>C, p.Lys244Gln (NM_001303496.3, NM_001303497.3, NM_001303498.3 and 5 more transcripts); short protein forms K244Q.
Identifiers: ClinVar variation 4159457 (VCV004159457.1).

ClinVar aggregate classification (germline): Uncertain significance (1 of 4 stars; one submission).

Conditions:
Inborn genetic diseases. Identifiers: MedGen C0950123, MeSH D030342.

Submission:

Ambry Genetics
Classification: Uncertain significance for Inborn genetic diseases. Last evaluated: 2025-09-04. Review status: criteria provided, single submitter. Criteria: Ambry Variant Classification Scheme 2023. Collection method: clinical testing. Allele origin: germline.
Comment: The p.K244Q variant (also known as c.730A>C), located in coding exon 1 of the SAMD9L gene, results from an A to C substitution at nucleotide position 730. The lysine at codon 244 is replaced by glutamine, an amino acid with similar properties. This amino acid position is conserved. In addition, this alteration is predicted to be tolerated by in silico analysis. Based on the available evidence, the clinical significance of this variant remains unclear.